The following is an entry in ClinVar:

NM_000419.5(ITGA2B):c.414C>A (p.Cys138Ter)

Genes: ITGA2B (integrin subunit alpha 2b; minus strand), LOC130060983 (ATAC-STARR-seq lymphoblastoid active region 12261; plus strand). Cytogenetic location: 17q21.31.
Variant type: single nucleotide variant.
Coding change: c.414C>A on transcript NM_000419.5 (MANE Select); coding-DNA position 414, C replaced by A.
Protein change: p.Cys138Ter; replaces cysteine 138 with a stop codon.
Molecular consequence: nonsense.
Genome position (GRCh38, 1-based): chr17:44,385,711, G>T on the plus strand (C>A on the coding strand, the complement: ITGA2B is on the minus strand). VCF-style: chr17-44385711-G-T. GRCh37 (hg19) VCF-style: chr17-42463079-G-T.
Other names: short protein forms C138*.
Identifiers: ClinVar variation 854735 (VCV000854735.10), dbSNP rs2048642260, ClinGen allele CA399806043.

ClinVar aggregate classification (germline): Likely pathogenic. Review status: reviewed by expert panel (3 of 4 stars). 2 submissions from 2 submitters: Likely pathogenic (1). 1 of the submissions does not count toward it. Last evaluated 2024-04-16.

Conditions:
Glanzmann thrombasthenia. Also called: PLATELET GLYCOPROTEIN IIb-IIIa DEFICIENCY; BLEEDING DISORDER, PLATELET-TYPE, 2; THROMBASTHENIA OF GLANZMANN AND NAEGELI; Thrombasthenia; Glanzmann's thrombasthenia. Identifiers: Orphanet 849, MedGen C0040015, MONDO:0100326.

Allele frequency attached by ClinVar (database versions not stated): gnomAD exomes below 0.00001.
gnomAD v4.1: 1 of 1,613,506 alleles (0.000062%); highest among the groups gnomAD compares: African/African-American, 0.0013%; no homozygotes.

Submissions (2):

ClinGen Platelet Disorders Variant Curation Expert Panel, ClinGen
Classification: Likely pathogenic for Glanzmann thrombasthenia. Last evaluated: 2024-04-16. Review status: reviewed by expert panel. Criteria: ClinGen Platelet ACMG Specifications v2-1. Collection method: curation. Allele origin: germline. Inheritance: Autosomal recessive inheritance.
Comment: The NM_000419.5(ITGA2B):c.414C>A (p.Cys138Ter) nonsense variant occurs in exon 4 of 30 and is predicted to result in NMD. This variant has not been reported in the literature, to our knowledge. This highest MAF in gnomADv4.0.0 is 0.00005652 (1/17694 alleles) in the African/African American population, which is below the threshold of <0.0001 for PM2_supporting. In summary, this variant meets criteria to be classified as likely pathogenic for GT. GT-specific criteria applied: PM2_Supporting and PVS1.

Labcorp Genetics (formerly Invitae), Labcorp
Classification: Pathogenic for Glanzmann thrombasthenia. Last evaluated: 2023-01-09. Review status: criteria provided, single submitter. Criteria: Invitae Variant Classification Sherloc (09022015). Collection method: clinical testing. Allele origin: germline. Not counted in ClinVar's aggregate classification.
Comment: For these reasons, this variant has been classified as Pathogenic. ClinVar contains an entry for this variant (Variation ID: 854735). This variant has not been reported in the literature in individuals affected with ITGA2B-related conditions. This variant is not present in population databases (gnomAD no frequency). This sequence change creates a premature translational stop signal (p.Cys138*) in the ITGA2B gene. It is expected to result in an absent or disrupted protein product. Loss-of-function variants in ITGA2B are known to be pathogenic (PMID: 21917754).

Literature cited by the submitters: PubMed 21917754 (cited by Labcorp Genetics (formerly Invitae), Labcorp).